The following is an entry in ClinVar:

NM_005502.4(ABCA1):c.373A>T (p.Met125Leu)

Gene: ABCA1 (ATP binding cassette subfamily A member 1; minus strand). Cytogenetic location: 9q31.1.
Variant type: single nucleotide variant.
Coding change: c.373A>T on transcript NM_005502.4 (MANE Select); coding-DNA position 373, A replaced by T.
Protein change: p.Met125Leu; replaces methionine 125 with leucine.
Molecular consequence: missense variant.
Genome position (GRCh38, 1-based): chr9:104,883,087, T>A on the plus strand (A>T on the coding strand, the complement: ABCA1 is on the minus strand). VCF-style: chr9-104883087-T-A. GRCh37 (hg19) VCF-style: chr9-107645368-T-A.
Other names: short protein forms M125L.
Identifiers: ClinVar variation 4867730 (VCV004867730.1).
Genomic context (GRCh38, chr9:104,883,087, plus strand): 5'-GTTTTTACTTACTTGAGCTGGATTTCTTGATCTGCTGTAATGTTCTCAGAACTTTGCGCA[T>A]GTCCTTCATGCTGGTGTCTTTCTGGCTGTATAAAAGAAGCCTCCGAGCATCTGAGAACAG-3'
Protein context (NP_005493.2, residues 115-135): YSQKDTSMKD[Met125Leu]RKVLRTLQQI

ClinVar aggregate classification (germline): Uncertain significance (1 of 4 stars; one submission).

Conditions:
Cardiovascular phenotype. Identifiers: MedGen CN230736.

Submission:

Ambry Genetics
Classification: Uncertain significance for Cardiovascular phenotype. Last evaluated: 2026-03-21. Review status: criteria provided, single submitter. Criteria: Ambry Variant Classification Scheme 2023. Collection method: clinical testing. Allele origin: germline.
Comment: The p.M125L variant (also known as c.373A>T), located in coding exon 4 of the ABCA1 gene, results from an A to T substitution at nucleotide position 373. The methionine at codon 125 is replaced by leucine, an amino acid with highly similar properties. This amino acid position is conserved. In addition, this alteration is predicted to be tolerated by in silico analysis. Based on the available evidence, the clinical significance of this variant remains unclear.